The following is an entry in ClinVar:

ClinVar aggregate classification (germline): Conflicting classifications of pathogenicity. Review status: criteria provided, conflicting classifications (1 of 4 stars). 2 submissions from 2 submitters: Uncertain significance (1); Likely benign (1). Last evaluated 2025-01-07.

Conditions:
Inborn genetic diseases. Identifiers: MedGen C0950123, MeSH D030342.

gnomAD v4.1: 11 of 1,614,086 alleles (0.00068%); highest among the groups gnomAD compares: Middle Eastern, 0.016%; no homozygotes.

Submissions (2):

Ambry Genetics
Classification: Likely benign for Inborn genetic diseases. Last evaluated: 2025-01-07. Review status: criteria provided, single submitter. Criteria: Ambry Variant Classification Scheme 2023. Collection method: clinical testing. Allele origin: germline.

Labcorp Genetics (formerly Invitae), Labcorp
Classification: Uncertain significance. Last evaluated: 2024-09-23. Review status: criteria provided, single submitter. Criteria: Invitae Variant Classification Sherloc (09022015). Collection method: clinical testing. Allele origin: germline.
Comment: This sequence change replaces asparagine, which is neutral and polar, with histidine, which is basic and polar, at codon 356 of the FN1 protein (p.Asn356His). This variant is present in population databases (rs369467145, gnomAD 0.006%). This variant has not been reported in the literature in individuals affected with FN1-related conditions. Invitae Evidence Modeling of protein sequence and biophysical properties (such as structural, functional, and spatial information, amino acid conservation, physicochemical variation, residue mobility, and thermodynamic stability) indicates that this missense variant is not expected to disrupt FN1 protein function with a negative predictive value of 80%. In summary, the available evidence is currently insufficient to determine the role of this variant in disease. Therefore, it has been classified as a Variant of Uncertain Significance.

NM_212482.4(FN1):c.1066A>C (p.Asn356His)

Genes: FN1 (fibronectin 1; minus strand), LOC126806498 (CDK7 strongly-dependent group 2 enhancer GRCh37_chr2:216288045-216289244; plus strand). Cytogenetic location: 2q35.
Variant type: single nucleotide variant.
Coding change: c.1066A>C on transcript NM_212482.4 (MANE Select); coding-DNA position 1066, A replaced by C.
Protein change: p.Asn356His; replaces asparagine 356 with histidine.
Molecular consequence: missense variant.
Genome position (GRCh38, 1-based): chr2:215,424,296, T>G on the plus strand (A>C on the coding strand, the complement: FN1 is on the minus strand). VCF-style: chr2-215424296-T-G. GRCh37 (hg19) VCF-style: chr2-216289019-T-G.
Other names: c.1066A>C, p.Asn356His (NM_001306129.2, NM_001306130.2, NM_001306131.2 and 14 more transcripts); c.1066A>C (NM_212482.1); short protein forms N356H.
Identifiers: ClinVar variation 3613108 (VCV003613108.3).